The following is an entry in ClinVar:

NM_000051.4(ATM):c.3153+3G>A

Gene: ATM (ATM serine/threonine kinase; plus strand). Cytogenetic location: 11q22.3.
Variant type: single nucleotide variant.
Coding change: c.3153+3G>A on transcript NM_000051.4 (MANE Select); 3 bases into the intron after coding-DNA position 3153, G replaced by A.
Molecular consequence: intron variant.
Genome position (GRCh38, 1-based): chr11:108,272,610, G>A. VCF-style: chr11-108272610-G-A. GRCh37 (hg19) VCF-style: chr11-108143337-G-A.
Other names: c.3153+3G>A (NM_001351834.2).
Identifiers: ClinVar variation 1021460 (VCV001021460.6), dbSNP rs1565428067, ClinGen allele CA1998776832.

ClinVar aggregate classification (germline): Uncertain significance (1 of 4 stars; one submission).

Conditions:
Ataxia-telangiectasia syndrome (AT). Also called: ATAXIA-TELANGIECTASIA, FRESNO VARIANT; Ataxia-telangiectasia, complementation group D; AT, COMPLEMENTATION GROUP C; Cerebello-oculocutaneous telangiectasia; Immunodeficiency with ataxia telangiectasia; Ataxia telangiectasia (A-T). Identifiers: Orphanet 100, MedGen C0004135, MONDO:0008840, OMIM 208900.

Submission:

Labcorp Genetics (formerly Invitae), Labcorp
Classification: Uncertain significance for Ataxia-telangiectasia syndrome. Last evaluated: 2022-01-12. Review status: criteria provided, single submitter. Criteria: Invitae Variant Classification Sherloc (09022015). Collection method: clinical testing. Allele origin: germline.
Comment: In summary, the available evidence is currently insufficient to determine the role of this variant in disease. Therefore, it has been classified as a Variant of Uncertain Significance. Variants that disrupt the consensus splice site are a relatively common cause of aberrant splicing (PMID: 17576681, 9536098). Algorithms developed to predict the effect of sequence changes on RNA splicing suggest that this variant is not likely to affect RNA splicing. ClinVar contains an entry for this variant (Variation ID: 1021460). This variant has not been reported in the literature in individuals affected with ATM-related conditions. This variant is not present in population databases (gnomAD no frequency). This sequence change falls in intron 21 of the ATM gene. It does not directly change the encoded amino acid sequence of the ATM protein. It affects a nucleotide within the consensus splice site.

Literature cited by the submitters: PubMed 17576681; PubMed 9536098.